The following is an entry in ClinVar:

ClinVar aggregate classification (germline): Likely pathogenic (1 of 4 stars; one submission).

Conditions:
H syndrome. Also called: FAISALABAD HISTIOCYTOSIS; Asrar Facharzt Haque syndrome; HISTIOCYTOSIS AND LYMPHADENOPATHY WITH OR WITHOUT CUTANEOUS, CARDIAC, AND/OR ENDOCRINE FEATURES, JOINT CONTRACTURES, AND/OR DEAFNESS; HYPERPIGMENTATION, CUTANEOUS, WITH HYPERTRICHOSIS, HEPATOSPLENOMEGALY, HEART ANOMALIES, AND HYPOGONADISM WITH OR WITHOUT HEARING LOSS; PIGMENTED HYPERTRICHOSIS WITH INSULIN-DEPENDENT DIABETES MELLITUS; ROSAI-DORFMAN DISEASE, FAMILIAL. Identifiers: Orphanet 168569, MedGen C1864445, MONDO:0011273, OMIM 602782.

gnomAD v4.1: 2 of 1,613,114 alleles (0.00012%); highest among the groups gnomAD compares: East Asian, 0.0045%; no homozygotes.

Submission:

3billion
Classification: Likely pathogenic for H syndrome. Last evaluated: 2024-09-11. Review status: criteria provided, single submitter. Criteria: ACMG Guidelines, 2015. Collection method: clinical testing. Allele origin: germline. Affected: yes.
Comment: The variant is observed at an extremely low frequency in the gnomAD v4.0.0 dataset (total allele frequency: <0.001%). Predicted Consequence/Location: Canonical splice site: predicted to alter splicing and result in a loss or disruption of normal protein function. The predicted truncated protein may be shortened by more than 10%. In silico tools predict the variant to alter splicing and produce an abnormal transcript [SpliceAI: 0.99 (spliceogenicity >=0.2, non-spliceogenicity <0.1)]. Therefore, this variant is classified as Likely pathogenic according to the recommendation of ACMG/AMP guideline.

NM_018344.6(SLC29A3):c.773+1G>A

Gene: SLC29A3 (solute carrier family 29 member 3; plus strand). Cytogenetic location: 10q22.1.
Variant type: single nucleotide variant.
Coding change: c.773+1G>A on transcript NM_018344.6 (MANE Select); the canonical splice donor site of the intron after coding-DNA position 773, G replaced by A.
Molecular consequence: splice donor variant. On other transcripts: synonymous variant (1).
Genome position (GRCh38, 1-based): chr10:71,356,244, G>A. VCF-style: chr10-71356244-G-A. GRCh37 (hg19) VCF-style: chr10-73116001-G-A.
Other names: c.774G>A, p.Arg258= (NM_001174098.2); c.539+1G>A (NM_001363518.2).
Identifiers: ClinVar variation 4293079 (VCV004293079.1).
Genomic context (GRCh38, chr10:71,356,244, plus strand): 5'-TGTCTTCCTCGTGCTCTGCATGGGACTCTACCTGCTGCTGTCCAGGCTGGAGTATGCCAG[G>A]TGAAGGTGCCACTCACTGTCCATGCCTCCTTCCTGTGTATCCAGTTATAGCCATGCTTCT-3'